The following is an entry in ClinVar:

ClinVar aggregate classification (germline): Pathogenic/Likely pathogenic. Review status: criteria provided, multiple submitters, no conflicts (2 of 4 stars). 4 submissions from 4 submitters: Pathogenic (2); Likely pathogenic (1). 1 of the submissions does not count toward it. Last evaluated 2022-03-22.

Conditions:
Desmin-related myofibrillar myopathy (MFM1). Also called: MYOFIBRILLAR MYOPATHY WITH ARRHYTHMOGENIC RIGHT VENTRICULAR CARDIOMYOPATHY; DESMIN-RELATED MYOPATHY WITH ARRHYTHMOGENIC RIGHT VENTRICULAR CARDIOMYOPATHY; Desminopathy; Desmin related myopathy (former name); Desmin storage myopathy (former name); Myofibrillar myopathy 1. Identifiers: Orphanet 363543, Orphanet 98909, MedGen C1832370, MONDO:0011076, OMIM 601419.
Abnormality of the musculature. Identifiers: MedGen C4021745, HP:0003011.

Submissions (4):

3billion
Classification: Pathogenic for Desmin-related myofibrillar myopathy. Last evaluated: 2022-03-22. Review status: criteria provided, single submitter. Criteria: ACMG Guidelines, 2015. Collection method: clinical testing. Allele origin: germline. Affected: yes. Observed: 1 homozygote.
Comment: Canonical splice site: predicted to alter splicing and result in a loss or disruption of normal protein function through nonsense-mediated decay (NMD) or protein truncation. Multiple pathogenic variants are reported downstream of the variant.It has been reported as pathogenic (ClinVar ID: VCV000056823). It is not observed in the gnomAD v2.1.1 dataset. Therefore, this variant is classified as pathogenic according to the recommendation of ACMG/AMP guideline.

Kariminejad - Najmabadi Pathology & Genetics Center
Classification: Likely pathogenic for Abnormality of the musculature. Last evaluated: 2021-07-10. Review status: criteria provided, single submitter. Criteria: ACMG Guidelines, 2015. Collection method: clinical testing. Allele origin: germline. Affected: yes.

CeGaT Center for Human Genetics Tuebingen
Classification: Pathogenic. Last evaluated: 2019-02-01. Review status: criteria provided, single submitter. Criteria: CeGaT Center For Human Genetics Tuebingen Variant Classification Criteria Version 2. Collection method: clinical testing. Allele origin: germline. Affected: yes. Observed: 1 variant allele.

OMIM
Classification: Pathogenic for MYOPATHY, MYOFIBRILLAR, 1. Last evaluated: 2013-07-01. Review status: no assertion criteria provided. Collection method: literature only. Allele origin: germline. Not counted in ClinVar's aggregate classification.

Literature cited by the submitters: PubMed 30055862 (cited by OMIM); PubMed 23687351 (cited by OMIM).

NM_001927.4(DES):c.1289-2A>G

Gene: DES (desmin; plus strand). Cytogenetic location: 2q35.
Variant type: single nucleotide variant.
Coding change: c.1289-2A>G on transcript NM_001927.4 (MANE Select); the canonical splice acceptor site of the intron before coding-DNA position 1289, A replaced by G.
Molecular consequence: splice acceptor variant.
Genome position (GRCh38, 1-based): chr2:219,425,661, A>G. VCF-style: chr2-219425661-A-G. GRCh37 (hg19) VCF-style: chr2-220290383-A-G.
Other names: IVS7AS, A-G, -2; c.1289-2A>G (NM_001382712.1); c.1268-2A>G (NM_001382711.1); c.1220-2A>G (NM_001382710.1); c.857-2A>G (NM_001382709.1); c.1286-2A>G (NM_001382708.1); c.1019-2A>G (NM_001382713.1).
Identifiers: ClinVar variation 56823 (VCV000056823.54), dbSNP rs398122940, ClinGen allele CA144512.